The following is an entry in ClinVar:

NM_133433.4(NIPBL):c.2404A>G (p.Lys802Glu)

Gene: NIPBL (NIPBL cohesin loading factor; plus strand). Cytogenetic location: 5p13.2.
Variant type: single nucleotide variant.
Coding change: c.2404A>G on transcript NM_133433.4 (MANE Select); coding-DNA position 2404, A replaced by G.
Protein change: p.Lys802Glu; replaces lysine 802 with glutamic acid.
Molecular consequence: missense variant.
Genome position (GRCh38, 1-based): chr5:36,985,584, A>G. VCF-style: chr5-36985584-A-G. GRCh37 (hg19) VCF-style: chr5-36985686-A-G.
Other names: c.2404A>G, p.Lys802Glu (NM_015384.5); short protein forms K802E.
Identifiers: ClinVar variation 2884406 (VCV002884406.3), dbSNP rs558749457, ClinGen allele CA3236167.

ClinVar aggregate classification (germline): Uncertain significance (1 of 4 stars; one submission).

Conditions:
Cornelia de Lange syndrome 1 (CDLS1). Also called: Brachmann de Lange syndrome; NIPBL-Related Cornelia de Lange Syndrome; TYPUS DEGENERATIVUS AMSTELODAMENSIS. Identifiers: Orphanet 199, MedGen C4551851, MONDO:0007387, OMIM 122470.

Allele frequency attached by ClinVar (database versions not stated): gnomAD exomes below 0.00001; ExAC 0.00002; gnomAD 0.00002; TOPMed 0.00006; 1000 Genomes Project 30x 0.00016; 1000 Genomes Project 0.00020.
gnomAD v4.1: 8 of 1,613,930 alleles (0.0005%); highest among the groups gnomAD compares: African/African-American, 0.0093%; no homozygotes.

Submission:

Labcorp Genetics (formerly Invitae), Labcorp
Classification: Uncertain significance for Cornelia de Lange syndrome 1. Last evaluated: 2023-07-25. Review status: criteria provided, single submitter. Criteria: Invitae Variant Classification Sherloc (09022015). Collection method: clinical testing. Allele origin: germline.
Comment: In summary, the available evidence is currently insufficient to determine the role of this variant in disease. Therefore, it has been classified as a Variant of Uncertain Significance. Advanced modeling of protein sequence and biophysical properties (such as structural, functional, and spatial information, amino acid conservation, physicochemical variation, residue mobility, and thermodynamic stability) has been performed at Invitae for this missense variant, however the output from this modeling did not meet the statistical confidence thresholds required to predict the impact of this variant on NIPBL protein function. This variant has not been reported in the literature in individuals affected with NIPBL-related conditions. This variant is present in population databases (rs558749457, gnomAD 0.02%). This sequence change replaces lysine, which is basic and polar, with glutamic acid, which is acidic and polar, at codon 802 of the NIPBL protein (p.Lys802Glu).